The following is an entry in ClinVar:

NM_004006.3(DMD):c.283G>T (p.Gly95Ter)

Gene: DMD (dystrophin; minus strand). Cytogenetic location: Xp21.1.
Variant type: single nucleotide variant.
Coding change: c.283G>T on transcript NM_004006.3 (MANE Select); coding-DNA position 283, G replaced by T.
Protein change: p.Gly95Ter; replaces glycine 95 with a stop codon.
Molecular consequence: nonsense. On other transcripts: 5 prime UTR variant (1).
Genome position (GRCh38, 1-based): chrX:32,823,369, C>A on the plus strand (G>T on the coding strand, the complement: DMD is on the minus strand). VCF-style: chrX-32823369-C-A. GRCh37 (hg19) VCF-style: chrX-32841486-C-A.
Other names: c.259G>T, p.Gly87Ter (NM_000109.4); c.271G>T, p.Gly91Ter (NM_004009.3); c.-87G>T (NM_004010.3); short protein forms G95*, G87*, G91*.
Identifiers: ClinVar variation 501437 (VCV000501437.12), dbSNP rs1557058415, ClinGen allele CA412674570.

ClinVar aggregate classification (germline): Pathogenic. Review status: criteria provided, multiple submitters, no conflicts (2 of 4 stars). 2 submissions from 2 submitters: Pathogenic (2). Last evaluated 2020-10-16.

Conditions:
Duchenne muscular dystrophy (DMD). Also called: MUSCULAR DYSTROPHY, PSEUDOHYPERTROPHIC PROGRESSIVE, DUCHENNE TYPE; Duchenne Muscular Dystrophy (DMD). Identifiers: Orphanet 98896, MedGen C0013264, MONDO:0010679, OMIM 310200.

Submissions (2):

Labcorp Genetics (formerly Invitae), Labcorp
Classification: Pathogenic for Duchenne muscular dystrophy. Last evaluated: 2020-10-16. Review status: criteria provided, single submitter. Criteria: Invitae Variant Classification Sherloc (09022015). Collection method: clinical testing. Allele origin: germline.
Comment: For these reasons, this variant has been classified as Pathogenic. This variant has not been reported in the literature in individuals with DMD-related conditions. ClinVar contains an entry for this variant (Variation ID: 501437). This variant is not present in population databases (ExAC no frequency). This sequence change creates a premature translational stop signal (p.Gly95*) in the DMD gene. It is expected to result in an absent or disrupted protein product. Loss-of-function variants in DMD are known to be pathogenic (PMID: 16770791, 25007885).

Eurofins Ntd Llc (ga)
Classification: Pathogenic. Last evaluated: 2017-05-01. Review status: criteria provided, single submitter. Criteria: EGL Classification Definitions 2015. Collection method: clinical testing. Allele origin: germline. Observed: 1 variant allele, 1 hemizygote.

Literature cited by the submitters: PubMed 16770791 (cited by Labcorp Genetics (formerly Invitae), Labcorp); PubMed 25007885 (cited by Labcorp Genetics (formerly Invitae), Labcorp).